The following is an entry in ClinVar:

NM_133433.4(NIPBL):c.133C>T (p.Arg45Ter)

Gene: NIPBL (NIPBL cohesin loading factor; plus strand). Cytogenetic location: 5p13.2.
Variant type: single nucleotide variant.
Coding change: c.133C>T on transcript NM_133433.4 (MANE Select); coding-DNA position 133, C replaced by T.
Protein change: p.Arg45Ter; replaces arginine 45 with a stop codon.
Molecular consequence: nonsense.
Genome position (GRCh38, 1-based): chr5:36,955,540, C>T. VCF-style: chr5-36955540-C-T. GRCh37 (hg19) VCF-style: chr5-36955642-C-T.
Other names: c.133C>T, p.Arg45Ter (NM_015384.5); short protein forms R45*.
Identifiers: ClinVar variation 99920 (VCV000099920.22), dbSNP rs80358367, ClinGen allele CA267522.

ClinVar aggregate classification (germline): Pathogenic. Review status: criteria provided, multiple submitters, no conflicts (2 of 4 stars). 7 submissions from 7 submitters: Pathogenic (6). 1 of the submissions does not count toward it. Last evaluated 2025-03-08.

Conditions:
Cornelia de Lange syndrome 1 (CDLS1). Also called: TYPUS DEGENERATIVUS AMSTELODAMENSIS; Brachmann de Lange syndrome; NIPBL-Related Cornelia de Lange Syndrome. Identifiers: Orphanet 199, MedGen C4551851, MONDO:0007387, OMIM 122470.
NIPBL-related disorder. Also called: NIPBL-related condition.

Submissions (7):

Labcorp Genetics (formerly Invitae), Labcorp
Classification: Pathogenic for Cornelia de Lange syndrome 1. Last evaluated: 2025-03-08. Review status: criteria provided, single submitter. Criteria: Invitae Variant Classification Sherloc (09022015). Collection method: clinical testing. Allele origin: germline.
Comment: This sequence change creates a premature translational stop signal (p.Arg45*) in the NIPBL gene. It is expected to result in an absent or disrupted protein product. Loss-of-function variants in NIPBL are known to be pathogenic (PMID: 15318302, 19763162, 23505322, 29995837). This variant is not present in population databases (gnomAD no frequency). This premature translational stop signal has been observed in individuals with Cornelia de Lange syndrome (PMID: 20824775). Invitae Evidence Modeling of clinical and family history, age, sex, and reported ancestry of multiple individuals with this NIPBL variant has been performed. This variant is expected to be pathogenic with a positive predictive value of at least 99%. This is a validated machine learning model that incorporates the clinical features of 8,969 individuals referred to our laboratory for NIPBL testing. ClinVar contains an entry for this variant (Variation ID: 99920). For these reasons, this variant has been classified as Pathogenic.

GeneDx
Classification: Pathogenic. Last evaluated: 2024-04-04. Review status: criteria provided, single submitter. Criteria: GeneDx Variant Classification Process June 2021. Collection method: clinical testing. Allele origin: germline. Affected: yes.
Comment: Nonsense variant predicted to result in protein truncation or nonsense mediated decay in a gene for which loss-of-function is a known mechanism of disease; Not observed in large population cohorts (gnomAD); This variant is associated with the following publications: (PMID: 20824775, 34326454, 32033219, 37377026)

Blueprint Genetics
Classification: Pathogenic for NIPBL-related disorders. Last evaluated: 2022-05-31. Review status: criteria provided, single submitter. Criteria: ACMG Guidelines, 2015. Collection method: clinical testing. Allele origin: germline. Affected: yes. Observed: 1 variant allele.

Genome-Nilou Lab
Classification: Pathogenic for Cornelia de Lange syndrome 1. Last evaluated: 2021-07-15. Review status: criteria provided, single submitter. Criteria: ACMG Guidelines, 2015. Collection method: clinical testing. Allele origin: germline. Affected: no.

Eurofins Ntd Llc (ga)
Classification: Pathogenic. Last evaluated: 2015-04-15. Review status: criteria provided, single submitter. Criteria: EGL Classification Definitions 2015. Collection method: clinical testing. Allele origin: germline. Observed: 1 variant allele, 1 heterozygote.

Genetic Services Laboratory, University of Chicago
Classification: Pathogenic for Cornelia de Lange syndrome 1. Last evaluated: 2013-02-08. Review status: criteria provided, single submitter. Criteria: ACMG Guidelines, 2007. Collection method: clinical testing. Allele origin: germline. Inheritance: Autosomal dominant inheritance. Affected: yes.

PreventionGenetics, part of Exact Sciences
Classification: Pathogenic for NIPBL-related condition. Last evaluated: 2023-11-10. Review status: no assertion criteria provided. Collection method: clinical testing. Allele origin: germline. Not counted in ClinVar's aggregate classification.
Comment: The NIPBL c.133C>T variant is predicted to result in premature protein termination (p.Arg45*). This variant was reported in two individuals with Cornelia de Lange syndrome (Oliveira et al. 2010. PubMed ID: 20824775; Table S1, Levy et al. 2022. PubMed ID: 35904121). This variant has not been reported in a large population database, indicating this variant is rare. Nonsense variants in NIPBL are expected to be pathogenic. This variant is interpreted as pathogenic.

Literature cited by the submitters: PubMed 15318302 (cited by Labcorp Genetics (formerly Invitae), Labcorp); PubMed 19763162 (cited by Labcorp Genetics (formerly Invitae), Labcorp); PubMed 23505322 (cited by Labcorp Genetics (formerly Invitae), Labcorp); PubMed 29995837 (cited by Labcorp Genetics (formerly Invitae), Labcorp); PubMed 20824775 (cited by Labcorp Genetics (formerly Invitae), Labcorp and Eurofins Ntd Llc (ga)).